The following is an entry in ClinVar:

ClinVar aggregate classification (germline): Benign (1 of 4 stars; one submission).

Conditions:
Intellectual developmental disorder, X-linked 93. Also called: MENTAL RETARDATION, X-LINKED, WITH MACROCEPHALY; Intellectual disability, X-linked 93. Identifiers: MedGen C1970841, MONDO:0010393, OMIM 300659.

Allele frequency attached by ClinVar (database versions not stated): 1000 Genomes Project 30x 0.00250; 1000 Genomes Project 0.00265; gnomAD 0.00269 and 0.00283; TOPMed 0.00314.

Submission:

Illumina Laboratory Services, Illumina
Classification: Benign for Intellectual developmental disorder, X-linked 93. Last evaluated: 2018-01-13. Review status: criteria provided, single submitter. Criteria: ICSL Variant Classification Criteria 13 December 2019. Collection method: clinical testing. Allele origin: germline.
Comment: This variant was observed in the ICSL laboratory as part of a predisposition screen in an ostensibly healthy population. It had not been previously curated by ICSL or reported in the Human Gene Mutation Database (HGMD: prior to June 1st, 2018), and was therefore a candidate for classification through an automated scoring system. Utilizing variant allele frequency, disease prevalence and penetrance estimates, and inheritance mode, an automated score was calculated to assess if this variant is too frequent to cause the disease. Based on the score and internal cut-off values, a variant classified as benign is not then subjected to further curation. The score for this variant resulted in a classification of benign for this disease.

NM_153252.5(BRWD3):c.*4272C>T

Gene: BRWD3 (bromodomain and WD repeat domain containing 3; minus strand). Cytogenetic location: Xq21.1.
Variant type: single nucleotide variant.
Coding change: c.*4272C>T on transcript NM_153252.5 (MANE Select); 4272 bases downstream of the stop codon, C replaced by T.
Molecular consequence: 3 prime UTR variant.
Genome position (GRCh38, 1-based): chrX:80,672,337, G>A on the plus strand (C>T on the coding strand, the complement: BRWD3 is on the minus strand). VCF-style: chrX-80672337-G-A. GRCh37 (hg19) VCF-style: chrX-79927836-G-A.
Identifiers: ClinVar variation 368697 (VCV000368697.5), dbSNP rs190439155, ClinGen allele CA10654390.